The following is an entry in ClinVar:

NM_199420.4(POLQ):c.1959+8C>G

Gene: POLQ (DNA polymerase theta; minus strand). Cytogenetic location: 3q13.33.
Variant type: single nucleotide variant.
Coding change: c.1959+8C>G on transcript NM_199420.4 (MANE Select); 8 bases into the intron after coding-DNA position 1959, C replaced by G.
Molecular consequence: intron variant.
Genome position (GRCh38, 1-based): chr3:121,509,553, G>C on the plus strand (C>G on the coding strand, the complement: POLQ is on the minus strand). VCF-style: chr3-121509553-G-C. GRCh37 (hg19) VCF-style: chr3-121228400-G-C.
Identifiers: ClinVar variation 3057195 (VCV003057195.3), dbSNP rs41544013, ClinGen allele CA2563409.

ClinVar aggregate classification (germline): Benign. Review status: criteria provided, single submitter (1 of 4 stars). 2 submissions from 2 submitters: Benign (1). 1 of the submissions does not count toward it. Last evaluated 2026-08-07.

Conditions:
POLQ-related disorder. Also called: POLQ-related condition.
Familial cancer of breast. Also called: hereditary breast carcinoma; BREAST CANCER, FAMILIAL; Hereditary breast cancer. Identifiers: Orphanet 227535, MedGen C0346153, MONDO:0016419, OMIM 114480. Disease mechanism: loss of function.

Allele frequency attached by ClinVar (database versions not stated): 1000 Genomes Project 30x 0.02530; 1000 Genomes Project 0.02536; TOPMed 0.03750; gnomAD 0.03611; ESP Exome Variant Server 0.03875; ExAC 0.03994.
gnomAD v4.1: 76,881 of 1,604,290 alleles (4.8%); highest among the groups gnomAD compares: Middle Eastern, 7.2%; 2,211 homozygotes.

Submissions (2):

Genomic Medicine Laboratory, Hospital de Clinicas de Porto Alegre
Classification: Benign for Familial cancer of breast. Last evaluated: 2026-08-07. Review status: criteria provided, single submitter. Criteria: ACGS UK Practice Guidelines For Variant Classification V12 2024. Collection method: research. Allele origin: germline. Affected: yes. Observed: 3 variant alleles.
Comment: BA1: Allele frequency is above 5%

PreventionGenetics, part of Exact Sciences
Classification: Benign for POLQ-related condition. Last evaluated: 2019-07-10. Review status: no assertion criteria provided. Collection method: clinical testing. Allele origin: germline. Not counted in ClinVar's aggregate classification.
Comment: This variant is classified as benign based on ACMG/AMP sequence variant interpretation guidelines (Richards et al. 2015 PMID: 25741868, with internal and published modifications).